The following is an entry in ClinVar:

NM_000218.3(KCNQ1):c.1603C>A (p.Pro535Thr)

Gene: KCNQ1 (potassium voltage-gated channel subfamily Q member 1; plus strand). Cytogenetic location: 11p15.5.
Variant type: single nucleotide variant.
Coding change: c.1603C>A on transcript NM_000218.3 (MANE Select); coding-DNA position 1603, C replaced by A.
Protein change: p.Pro535Thr; replaces proline 535 with threonine.
Molecular consequence: missense variant.
Genome position (GRCh38, 1-based): chr11:2,775,972, C>A. VCF-style: chr11-2775972-C-A. GRCh37 (hg19) VCF-style: chr11-2797202-C-A.
Other names: c.1507C>A, p.Pro503Thr (NM_001406836.1); c.1333C>A, p.Pro445Thr (NM_001406837.1); c.1063C>A, p.Pro355Thr (NM_001406838.1); c.1222C>A, p.Pro408Thr (NM_181798.2); short protein forms P535T, P408T, P445T, P503T, P355T.
Identifiers: ClinVar variation 1481496 (VCV001481496.13), dbSNP rs2133989242, ClinGen allele CA379139081.
Genomic context (GRCh38, chr11:2,775,972, plus strand): 5'-GGCTGGGGCACAGGGAGGAGAAGTGATGCGTGTCTTTTTGTCCCGCAGCAAGCGCGGAAG[C>A]CTTACGATGTGCGGGACGTCATTGAGCAGTACTCGCAGGGCCACCTCAACCTCATGGTGC-3'
Protein context (NP_000209.2, residues 525-545): AKKKFQQARK[Pro535Thr]YDVRDVIEQY

ClinVar aggregate classification (germline): Conflicting classifications of pathogenicity. Review status: criteria provided, conflicting classifications (1 of 4 stars). 4 submissions from 4 submitters: Likely pathogenic (1); Uncertain significance (3). Last evaluated 2024-12-19.

Conditions:
Cardiovascular phenotype. Identifiers: MedGen CN230736.
Long QT syndrome (LQTS). Identifiers: MedGen C0023976, MeSH D008133, MONDO:0002442. Disease mechanism: loss of function. Inheritance: Various modes of inheritance.

Submissions (4):

GeneDx
Classification: Likely pathogenic. Last evaluated: 2024-12-19. Review status: criteria provided, single submitter. Criteria: GeneDx Variant Classification Process June 2021. Collection method: clinical testing. Allele origin: germline. Affected: yes.
Comment: Reported in a pediatric patient with sudden cardiac death and inherited from a mother with Long QT syndrome (PMID: 28600177); Published functional studies demonstrate a damaging effect on channel function (PMID: 33693037); In silico analysis supports that this missense variant has a deleterious effect on protein structure/function; Not observed at significant frequency in large population cohorts (gnomAD); This variant is associated with the following publications: (PMID: 37166559, 28600177, 33693037)

Labcorp Genetics (formerly Invitae), Labcorp
Classification: Uncertain significance for Long QT syndrome. Last evaluated: 2024-02-23. Review status: criteria provided, single submitter. Criteria: Invitae Variant Classification Sherloc (09022015). Collection method: clinical testing. Allele origin: germline.
Comment: This sequence change replaces proline, which is neutral and non-polar, with threonine, which is neutral and polar, at codon 535 of the KCNQ1 protein (p.Pro535Thr). This variant is not present in population databases (gnomAD no frequency). This missense change has been observed in individual(s) with clinical features of KCNQ1-related conditions (PMID: 28600177). ClinVar contains an entry for this variant (Variation ID: 1481496). Advanced modeling of protein sequence and biophysical properties (such as structural, functional, and spatial information, amino acid conservation, physicochemical variation, residue mobility, and thermodynamic stability) performed at Invitae indicates that this missense variant is expected to disrupt KCNQ1 protein function with a positive predictive value of 95%. Experimental studies have shown that this missense change affects KCNQ1 function (PMID: 33693037). In summary, the available evidence is currently insufficient to determine the role of this variant in disease. Therefore, it has been classified as a Variant of Uncertain Significance.

All of Us Research Program, National Institutes of Health
Classification: Uncertain significance for Long QT syndrome. Last evaluated: 2023-07-10. Review status: criteria provided, single submitter. Criteria: ACMG Guidelines, 2015. Collection method: clinical testing. Allele origin: germline. Inheritance: Autosomal dominant inheritance. Observed: 1 variant allele, 1 heterozygote.
Comment: This missense variant replaces proline with threonine at codon 535 of the KCNQ1 protein. This variant is found within a highly conserved region (a.a. 509 - 575) of the C-terminal cytoplasmic domain. Rare nontruncating variants in this region have been shown to be significantly overrepresented in individuals with long QT syndrome (PMID: 32893267). A functional study has shown that this variant causes decreased colocalization with plasma membrane and a reduction of maximum conductance density in transfected HEK293 cells (PMID: 33693037). This variant has been reported in a young individual affected sudden unexplained death and in the asymptomatic mother who had a prolonged QT interval during exercise (PMID: 28600177). This variant has not been identified in the general population by the Genome Aggregation Database (gnomAD). The available evidence is insufficient to determine the role of this variant in disease conclusively. Therefore, this variant is classified as a Variant of Uncertain Significance.

This study involves interpretation of variants in research participants for the purpose of population health screening. Participant phenotype was not available at the time of variant classification. Additional details can be found in publication PMID: 35346344, PMCID: PMC8962531

Ambry Genetics
Classification: Uncertain significance for Cardiovascular phenotype. Last evaluated: 2021-03-05. Review status: criteria provided, single submitter. Criteria: Ambry Variant Classification Scheme 2023. Collection method: clinical testing. Allele origin: germline.
Comment: The p.P535T variant (also known as c.1603C>A), located in coding exon 13 of the KCNQ1 gene, results from a C to A substitution at nucleotide position 1603. The proline at codon 535 is replaced by threonine, an amino acid with highly similar properties, and is located in the cytoplasmic C-terminal region. This amino acid position is highly conserved in available vertebrate species. In addition, this alteration is predicted to be deleterious by in silico analysis. Since supporting evidence is limited at this time, the clinical significance of this alteration remains unclear.

Literature cited by the submitters: PubMed 28600177 (cited by 3 submitters); PubMed 33693037 (cited by Labcorp Genetics (formerly Invitae), Labcorp and All of Us Research Program, National Institutes of Health); PubMed 32893267 (cited by All of Us Research Program, National Institutes of Health).